The following is an entry in ClinVar:

NM_001377299.1(NDUFS2):c.1225G>A (p.Val409Met)

Gene: NDUFS2 (NADH:ubiquinone oxidoreductase core subunit S2; plus strand). Cytogenetic location: 1q23.3.
Variant type: single nucleotide variant.
Coding change: c.1225G>A on transcript NM_001377299.1 (MANE Select); coding-DNA position 1225, G replaced by A.
Protein change: p.Val409Met; replaces valine 409 with methionine.
Molecular consequence: missense variant. On other transcripts: non-coding transcript variant (1).
Genome position (GRCh38, 1-based): chr1:161,213,661, G>A. VCF-style: chr1-161213661-G-A. GRCh37 (hg19) VCF-style: chr1-161183451-G-A.
Other names: p.V409M:GTG>ATG; c.1225G>A, p.Val409Met (NM_001166159.2, NM_001377298.1, NM_001377300.1 and 3 more transcripts); short protein forms V409M.
Identifiers: ClinVar variation 214797 (VCV000214797.3), dbSNP rs863224105, ClinGen allele CA319855.
Genomic context (GRCh38, chr1:161,213,661, plus strand): 5'-AAATACTCTTCATGTTAATACAGACACCCAACCTTCTTCCTTGAACAGGGAGAGTTTGGG[G>A]TGTACCTGGTGTCTGATGGCAGCAGCCGCCCTTATCGATGCAAGATCAAGGCTCCTGGTT-3'
Protein context (NP_001364228.1, residues 399-419): AIEAPKGEFG[Val409Met]YLVSDGSSRP

ClinVar aggregate classification (germline): Uncertain significance (1 of 4 stars; one submission).

Allele frequency attached by ClinVar (database versions not stated): TOPMed below 0.00001.
gnomAD v4.1: 1 of 1,614,182 alleles (0.000062%); highest among the groups gnomAD compares: African/African-American, 0.0013%; no homozygotes.

Submission:

GeneDx
Classification: Uncertain significance. Last evaluated: 2024-12-06. Review status: criteria provided, single submitter. Criteria: GeneDx Variant Classification Process June 2021. Collection method: clinical testing. Allele origin: germline. Affected: yes.
Comment: Not observed at significant frequency in large population cohorts (gnomAD); In silico analysis supports that this missense variant has a deleterious effect on protein structure/function; Has not been previously published as pathogenic or benign to our knowledge